The following is an entry in ClinVar:

NM_001367479.1(DNAH14):c.2557C>T (p.Gln853Ter)

Gene: DNAH14 (dynein axonemal heavy chain 14; plus strand). Cytogenetic location: 1q42.12.
Variant type: single nucleotide variant.
Coding change: c.2557C>T on transcript NM_001367479.1 (MANE Select); coding-DNA position 2557, C replaced by T.
Protein change: p.Gln853Ter; replaces glutamine 853 with a stop codon.
Molecular consequence: nonsense.
Genome position (GRCh38, 1-based): chr1:225,079,339, C>T. VCF-style: chr1-225079339-C-T. GRCh37 (hg19) VCF-style: chr1-225267041-C-T.
Other names: NM_001373.1:c.2557C>T; short protein forms Q853*.
Identifiers: ClinVar variation 3367371 (VCV003367371.1).

ClinVar aggregate classification (germline): Uncertain significance (1 of 4 stars; one submission).

Submission:

GeneDx
Classification: Uncertain significance. Last evaluated: 2024-01-02. Review status: criteria provided, single submitter. Criteria: GeneDx Variant Classification Process June 2021. Collection method: clinical testing. Allele origin: germline. Affected: yes.
Comment: Nonsense variant predicted to result in protein truncation or nonsense mediated decay in a gene or region of a gene for which loss of function is not a well-established mechanism of disease; Has not been previously published as pathogenic or benign to our knowledge